The following is an entry in ClinVar:

NM_033198.4(PIGS):c.734G>A (p.Trp245Ter)

Gene: PIGS (phosphatidylinositol glycan anchor biosynthesis class S; minus strand). Cytogenetic location: 17q11.2.
Variant type: single nucleotide variant.
Coding change: c.734G>A on transcript NM_033198.4 (MANE Select); coding-DNA position 734, G replaced by A.
Protein change: p.Trp245Ter; replaces tryptophan 245 with a stop codon.
Molecular consequence: nonsense.
Genome position (GRCh38, 1-based): chr17:28,560,134, C>T on the plus strand (G>A on the coding strand, the complement: PIGS is on the minus strand). VCF-style: chr17-28560134-C-T. GRCh37 (hg19) VCF-style: chr17-26887152-C-T.
Other names: short protein forms W245*.
Identifiers: ClinVar variation 1119957 (VCV001119957.2), dbSNP rs1249675321, ClinGen allele CA398353142.
Genomic context (GRCh38, chr17:28,560,134, plus strand): 5'-GCGGCACCGAGGGCATTCAGGAAAGGTTGCACATAGCGCCGGACAGCCCCCTCAATGTCC[C>T]AGTAGACATCATGGGACTTGGGGTCTGGGTTGAGTAAACTGAAGGTGATCTCATAGCCTA-3'

ClinVar aggregate classification (germline): Pathogenic. Review status: criteria provided, single submitter (1 of 4 stars). 2 submissions from 2 submitters: Pathogenic (1). 1 of the submissions does not count toward it. Last evaluated 2026-03-19.

Conditions:
Glycosylphosphatidylinositol biosynthesis defect 18. Also called: DEVELOPMENTAL AND EPILEPTIC ENCEPHALOPATHY 95. Identifiers: MedGen C4748357, MONDO:0029140, OMIM 618143.

Allele frequency attached by ClinVar (database versions not stated): gnomAD 0.00001.

Submissions (2):

Women's Health and Genetics/Laboratory Corporation of America, LabCorp
Classification: Pathogenic for Glycosylphosphatidylinositol biosynthesis defect 18. Last evaluated: 2026-03-19. Review status: criteria provided, single submitter. Criteria: LabCorp Variant Classification Summary - May 2015. Collection method: clinical testing. Allele origin: germline.
Comment: Variant summary: PIGS c.734G>A (p.Trp245X) results in a premature termination codon, predicted to cause a truncation of the encoded protein or absence of the protein due to nonsense mediated decay, which are commonly known mechanisms for disease. The variant was absent in 250596 control chromosomes. c.734G>A has been observed in at least one compound heterozygous individual affected with Glycosylphosphatidylinositol Biosynthesis Defect 18 (e.g. Lam_2024). To our knowledge, no experimental evidence demonstrating an impact on protein function has been reported. The following publication has been ascertained in the context of this evaluation (PMID: 38959600). ClinVar contains an entry for this variant (Variation ID: 1119957). Based on the evidence outlined above, the variant was classified as pathogenic.

OMIM
Classification: Pathogenic for DEVELOPMENTAL AND EPILEPTIC ENCEPHALOPATHY 95. Last evaluated: 2021-05-21. Review status: no assertion criteria provided. Collection method: literature only. Allele origin: germline. Not counted in ClinVar's aggregate classification.

Literature cited by the submitters: PubMed 38959600 (cited by Women's Health and Genetics/Laboratory Corporation of America, LabCorp); PubMed 33410539 (cited by OMIM).